The following is an entry in ClinVar:

ClinVar aggregate classification (germline): Benign. Review status: criteria provided, multiple submitters, no conflicts (2 of 4 stars). 2 submissions from 2 submitters: Benign (2). Last evaluated 2018-06-14.

Allele frequency attached by ClinVar (database versions not stated): gnomAD exomes 0.00884; gnomAD 0.06014 and 0.05608; 1000 Genomes Project 0.06070; 1000 Genomes Project 30x 0.06465; TOPMed 0.06375.
gnomAD v4.1: 11,655 of 492,042 alleles (2.4%); highest among the groups gnomAD compares: African/African-American, 18%; 881 homozygotes.

Submissions (2):

GeneDx
Classification: Benign. Last evaluated: 2018-06-14. Review status: criteria provided, single submitter. Criteria: GeneDx Variant Classification (06012015). Collection method: clinical testing. Allele origin: germline. Affected: yes.
Comment: This variant is considered likely benign or benign based on one or more of the following criteria: it is a conservative change, it occurs at a poorly conserved position in the protein, it is predicted to be benign by multiple in silico algorithms, and/or has population frequency not consistent with disease.

Breakthrough Genomics
Classification: Benign. Review status: criteria provided, single submitter. Criteria: ACMG Guidelines, 2015. Collection method: not provided. Allele origin: germline. Inheritance: Autosomal recessive inheritance. Affected: yes.

NM_003573.2(LTBP4):c.231-114G>A

Gene: LTBP4 (latent transforming growth factor beta binding protein 4; plus strand). Cytogenetic location: 19q13.2.
Variant type: single nucleotide variant.
Coding change: c.231-114G>A on transcript NM_003573.2; 114 bases into the intron before coding-DNA position 231, G replaced by A.
Molecular consequence: intron variant.
Genome position (GRCh38, 1-based): chr19:40,599,954, G>A. VCF-style: chr19-40599954-G-A. GRCh37 (hg19) VCF-style: chr19-41105860-G-A.
Other names: c.342-114G>A (NM_001042544.1).
Identifiers: ClinVar variation 679487 (VCV000679487.4), dbSNP rs60807487, ClinGen allele CA308443085.